The following is an entry in ClinVar:

NM_020832.3(ZNF687):c.1994C>A (p.Pro665Gln)

Gene: ZNF687 (zinc finger protein 687; plus strand). Cytogenetic location: 1q21.3.
Variant type: single nucleotide variant.
Coding change: c.1994C>A on transcript NM_020832.3 (MANE Select); coding-DNA position 1994, C replaced by A.
Protein change: p.Pro665Gln; replaces proline 665 with glutamine.
Molecular consequence: missense variant.
Genome position (GRCh38, 1-based): chr1:151,288,285, C>A. VCF-style: chr1-151288285-C-A. GRCh37 (hg19) VCF-style: chr1-151260761-C-A.
Other names: c.1994C>A (NM_020832.1); c.1994C>A, p.Pro665Gln (NM_001304763.2, NM_001304764.2); short protein forms P665Q.
Identifiers: ClinVar variation 1900886 (VCV001900886.6), dbSNP rs771386501, ClinGen allele CA341948571.

ClinVar aggregate classification (germline): Uncertain significance. Review status: criteria provided, multiple submitters, no conflicts (2 of 4 stars). 2 submissions from 2 submitters: Uncertain significance (2). Last evaluated 2023-12-22.

gnomAD v4.1: 9 of 1,613,404 alleles (0.00056%); highest among the groups gnomAD compares: African/African-American, 0.0067%; no homozygotes.

Submissions (2):

Ambry Genetics
Classification: Uncertain significance. Last evaluated: 2023-12-22. Review status: criteria provided, single submitter. Criteria: Ambry Variant Classification Scheme 2023. Collection method: clinical testing. Allele origin: germline.

Labcorp Genetics (formerly Invitae), Labcorp
Classification: Uncertain significance. Last evaluated: 2021-12-30. Review status: criteria provided, single submitter. Criteria: Invitae Variant Classification Sherloc (09022015). Collection method: clinical testing. Allele origin: germline.
Comment: This variant has not been reported in the literature in individuals affected with ZNF687-related conditions. In summary, the available evidence is currently insufficient to determine the role of this variant in disease. Therefore, it has been classified as a Variant of Uncertain Significance. Algorithms developed to predict the effect of sequence changes on RNA splicing suggest that this variant may create or strengthen a splice site. Algorithms developed to predict the effect of missense changes on protein structure and function are either unavailable or do not agree on the potential impact of this missense change (SIFT: "Tolerated"; PolyPhen-2: "Possibly Damaging"; Align-GVGD: "Class C0"). The frequency data for this variant in the population databases is considered unreliable, as metrics indicate poor data quality at this position in the gnomAD database. This sequence change replaces proline, which is neutral and non-polar, with glutamine, which is neutral and polar, at codon 665 of the ZNF687 protein (p.Pro665Gln).